The following is an entry in ClinVar:

ClinVar aggregate classification (germline): Pathogenic. Review status: criteria provided, single submitter (1 of 4 stars). 2 submissions from 2 submitters: Pathogenic (1). 1 of the submissions does not count toward it. Last evaluated 2022-11-23.

Conditions:
Cystic fibrosis (CF). Also called: MUCOVISCIDOSIS. Identifiers: Orphanet 586, MedGen C0010674, MONDO:0009061, OMIM 219700. Disease mechanism: loss of function.

Submissions (2):

Ambry Genetics
Classification: Pathogenic for Cystic fibrosis. Last evaluated: 2022-11-23. Review status: criteria provided, single submitter. Criteria: Ambry Variant Classification Scheme 2023. Collection method: clinical testing. Allele origin: germline.
Comment: The c.3816_3817delGT pathogenic mutation (also known as 3944delGT), located in coding exon 23 of the CFTR gene, results from a deletion of two nucleotides at nucleotide positions 3816 to 3817, causing a translational frameshift with a predicted alternate stop codon. This mutation has been reported in individuals with cystic fibrosis, phase was determined to be in trans (different chromosomes) with a likely pathogenic CFTR variant in at least one case (Giannattasio S et al. Genet. Test., 2006;10:169-73; Zitkiewicz E et al. PLoS ONE, 2014 Feb;9:e89094). This variant is considered to be rare based on population cohorts in the Genome Aggregation Database (gnomAD). In addition to the clinical data presented in the literature, this alteration is expected to result in loss of function by premature protein truncation or nonsense-mediated mRNA decay. As such, this alteration is interpreted as a disease-causing mutation.

ClinVar Staff, National Center for Biotechnology Information (NCBI)
No classification provided. Condition: CFTR-related disorders. Review status: no classification provided. Collection method: literature only. Allele origin: germline. Affected: yes. Not counted in ClinVar's aggregate classification.

Literature cited by the submitters: PubMed 17020467 (cited by Ambry Genetics and ClinVar Staff, National Center for Biotechnology Information (NCBI)); PubMed 24586523 (cited by Ambry Genetics).

NM_000492.4(CFTR):c.3816_3817del (p.Ser1273fs)

Genes: CFTR (CF transmembrane conductance regulator; plus strand), CFTR-AS2 (CFTR antisense RNA 2; minus strand). Cytogenetic location: 7q31.2.
Variant type: Microsatellite.
Coding change: c.3816_3817del on transcript NM_000492.4 (MANE Select); coding-DNA positions 3816 to 3817, 2 bases deleted (GT; older notation c.3816_3817delGT).
Protein change: p.Ser1273fs; shifts the reading frame from serine 1273.
Molecular consequence: frameshift variant.
Genome position (GRCh38, 1-based): chr7:117,642,536-117,642,537, GT deleted; deleting any 2 consecutive bases within chr7:117,642,532-117,642,537 gives the same sequence; the c. name uses the placement nearest the transcript's 3' end. VCF-style (leftmost placement, unchanged base first): chr7-117642531-GGT-G. GRCh37 (hg19) VCF-style: chr7-117282585-GGT-G.
Other names: c.3816_3817delGT (NM_000492.3); short protein forms S1273fs.
Identifiers: ClinVar variation 53816 (VCV000053816.4), dbSNP rs397508612, ClinGen allele CA327298.